The following is an entry in ClinVar:

ClinVar aggregate classification (germline): Uncertain significance. Review status: criteria provided, single submitter (1 of 4 stars). 2 submissions from 2 submitters: Uncertain significance (1). 1 of the submissions does not count toward it. Last evaluated 2021-08-20.

Conditions:
Leber congenital amaurosis 5 (LCA5). Also called: Amaurosis congenita of Leber, type 5. Identifiers: Orphanet 65, MedGen C1858301, MONDO:0011473, OMIM 604537.

Allele frequency attached by ClinVar (database versions not stated): gnomAD exomes below 0.00001.
gnomAD v4.1: 3 of 1,613,904 alleles (0.00019%); highest among the groups gnomAD compares: Non-Finnish European, 0.00025%; no homozygotes.

Submissions (2):

Labcorp Genetics (formerly Invitae), Labcorp
Classification: Uncertain significance. Last evaluated: 2021-08-20. Review status: criteria provided, single submitter. Criteria: Invitae Variant Classification Sherloc (09022015). Collection method: clinical testing. Allele origin: germline.
Comment: This sequence change replaces threonine with alanine at codon 97 of the LCA5 protein (p.Thr97Ala). The threonine residue is weakly conserved and there is a small physicochemical difference between threonine and alanine. This variant is not present in population databases (ExAC no frequency). This variant has not been reported in the literature in individuals affected with LCA5-related conditions. Algorithms developed to predict the effect of missense changes on protein structure and function output the following: SIFT: "Tolerated"; PolyPhen-2: "Benign"; Align-GVGD: "Class C0". The alanine amino acid residue is found in multiple mammalian species, which suggests that this missense change does not adversely affect protein function. In summary, the available evidence is currently insufficient to determine the role of this variant in disease. Therefore, it has been classified as a Variant of Uncertain Significance.

Natera, Inc.
Classification: Uncertain significance for Leber congenital amaurosis type 5. Last evaluated: 2020-07-12. Review status: no assertion criteria provided. Collection method: clinical testing. Allele origin: germline. Not counted in ClinVar's aggregate classification.

NM_001122769.3(LCA5):c.289A>G (p.Thr97Ala)

Gene: LCA5 (lebercilin LCA5; minus strand). Cytogenetic location: 6q14.1.
Variant type: single nucleotide variant.
Coding change: c.289A>G on transcript NM_001122769.3 (MANE Select); coding-DNA position 289, A replaced by G.
Protein change: p.Thr97Ala; replaces threonine 97 with alanine.
Molecular consequence: missense variant.
Genome position (GRCh38, 1-based): chr6:79,513,643, T>C on the plus strand (A>G on the coding strand, the complement: LCA5 is on the minus strand). VCF-style: chr6-79513643-T-C. GRCh37 (hg19) VCF-style: chr6-80223360-T-C.
Other names: c.289A>G, p.Thr97Ala (NM_181714.4); short protein forms T97A.
Identifiers: ClinVar variation 1050993 (VCV001050993.3), dbSNP rs1387796294, ClinGen allele CA364629629.